The following is an entry in ClinVar:

ClinVar aggregate classification (germline): Uncertain significance (1 of 4 stars; one submission).

Conditions:
Myopathy, proximal, and ophthalmoplegia (CMYO6). Also called: CONGENITAL MYOPATHY 6 WITH OPHTHALMOPLEGIA; MYOPATHY WITH CONGENITAL JOINT CONTRACTURES, OPHTHALMOPLEGIA, AND RIMMED VACUOLES; INCLUSION BODY MYOPATHY 3, AUTOSOMAL DOMINANT. Identifiers: Orphanet 363677, Orphanet 79091, MedGen C1854106, MONDO:0011577, OMIM 605637.

Allele frequency attached by ClinVar (database versions not stated): gnomAD 0.00001; gnomAD exomes 0.00001 and 0.00002; TOPMed 0.00001; ExAC 0.00002.
gnomAD v4.1: 18 of 1,614,096 alleles (0.0011%); highest among the groups gnomAD compares: Non-Finnish European, 0.0015%; no homozygotes.

Submission:

Labcorp Genetics (formerly Invitae), Labcorp
Classification: Uncertain significance for Myopathy, proximal, and ophthalmoplegia. Last evaluated: 2025-03-31. Review status: criteria provided, single submitter. Criteria: Invitae Variant Classification Sherloc (09022015). Collection method: clinical testing. Allele origin: germline.
Comment: This sequence change replaces arginine, which is basic and polar, with glutamine, which is neutral and polar, at codon 1787 of the MYH2 protein (p.Arg1787Gln). This variant is present in population databases (rs770182875, gnomAD 0.004%). This variant has not been reported in the literature in individuals affected with MYH2-related conditions. ClinVar contains an entry for this variant (Variation ID: 857312). Invitae Evidence Modeling of protein sequence and biophysical properties (such as structural, functional, and spatial information, amino acid conservation, physicochemical variation, residue mobility, and thermodynamic stability) indicates that this missense variant is not expected to disrupt MYH2 protein function with a negative predictive value of 80%. In summary, the available evidence is currently insufficient to determine the role of this variant in disease. Therefore, it has been classified as a Variant of Uncertain Significance.

NM_017534.6(MYH2):c.5360G>A (p.Arg1787Gln)

Genes: MYH2 (myosin heavy chain 2; minus strand), MYHAS (myosin heavy chain gene cluster antisense RNA; plus strand). Cytogenetic location: 17p13.1.
Variant type: single nucleotide variant.
Coding change: c.5360G>A on transcript NM_017534.6 (MANE Select); coding-DNA position 5360, G replaced by A.
Protein change: p.Arg1787Gln; replaces arginine 1787 with glutamine.
Molecular consequence: missense variant.
Genome position (GRCh38, 1-based): chr17:10,523,608, C>T on the plus strand (G>A on the coding strand, the complement: MYH2 is on the minus strand). VCF-style: chr17-10523608-C-T. GRCh37 (hg19) VCF-style: chr17-10426925-C-T.
Other names: c.5360G>A, p.Arg1787Gln (NM_001100112.2); short protein forms R1787Q.
Identifiers: ClinVar variation 857312 (VCV000857312.7), dbSNP rs770182875, ClinGen allele CA8390413.